The following is an entry in ClinVar:

ClinVar aggregate classification (germline): Uncertain significance. Review status: criteria provided, multiple submitters, no conflicts (2 of 4 stars). 2 submissions from 2 submitters: Uncertain significance (2). Last evaluated 2024-04-08.

Conditions:
Inborn genetic diseases. Identifiers: MedGen C0950123, MeSH D030342.

Allele frequency attached by ClinVar (database versions not stated): gnomAD exomes 0.00001; TOPMed 0.00003; ExAC 0.00004; gnomAD 0.00004; 1000 Genomes Project 30x 0.00016; 1000 Genomes Project 0.00020.
gnomAD v4.1: 15 of 1,544,930 alleles (0.00097%); highest among the groups gnomAD compares: East Asian, 0.037%; no homozygotes.

Submissions (2):

Labcorp Genetics (formerly Invitae), Labcorp
Classification: Uncertain significance. Last evaluated: 2024-04-08. Review status: criteria provided, single submitter. Criteria: Invitae Variant Classification Sherloc (09022015). Collection method: clinical testing. Allele origin: germline.
Comment: This sequence change replaces isoleucine, which is neutral and non-polar, with threonine, which is neutral and polar, at codon 798 of the PROM1 protein (p.Ile798Thr). This variant is present in population databases (rs200008077, gnomAD 0.06%). This variant has not been reported in the literature in individuals affected with PROM1-related conditions. ClinVar contains an entry for this variant (Variation ID: 2210260). Advanced modeling of protein sequence and biophysical properties (such as structural, functional, and spatial information, amino acid conservation, physicochemical variation, residue mobility, and thermodynamic stability) performed at Invitae indicates that this missense variant is not expected to disrupt PROM1 protein function with a negative predictive value of 80%. In summary, the available evidence is currently insufficient to determine the role of this variant in disease. Therefore, it has been classified as a Variant of Uncertain Significance.

Ambry Genetics
Classification: Uncertain significance for Inborn genetic diseases. Last evaluated: 2021-08-30. Review status: criteria provided, single submitter. Criteria: Ambry Variant Classification Scheme 2023. Collection method: clinical testing. Allele origin: germline.

NM_006017.3(PROM1):c.2393T>C (p.Ile798Thr)

Gene: PROM1 (prominin 1; minus strand). Cytogenetic location: 4p15.32.
Variant type: single nucleotide variant.
Coding change: c.2393T>C on transcript NM_006017.3 (MANE Select); coding-DNA position 2393, T replaced by C.
Protein change: p.Ile798Thr; replaces isoleucine 798 with threonine.
Molecular consequence: missense variant.
Genome position (GRCh38, 1-based): chr4:15,980,518, A>G on the plus strand (T>C on the coding strand, the complement: PROM1 is on the minus strand). VCF-style: chr4-15980518-A-G. GRCh37 (hg19) VCF-style: chr4-15982141-A-G.
Other names: c.2366T>C, p.Ile789Thr (NM_001145847.2, NM_001145848.2, NM_001145851.2 and 4 more transcripts); c.2393T>C, p.Ile798Thr (NM_001145849.2, NM_001145850.2); short protein forms I789T, I798T.
Identifiers: ClinVar variation 2210260 (VCV002210260.4), dbSNP rs200008077, ClinGen allele CA2866399.